The following is an entry in ClinVar:

ClinVar aggregate classification (germline): Uncertain significance (1 of 4 stars; one submission).

Submission:

Labcorp Genetics (formerly Invitae), Labcorp
Classification: Uncertain significance. Last evaluated: 2025-11-15. Review status: criteria provided, single submitter. Criteria: Invitae Variant Classification Sherloc (09022015). Collection method: clinical testing. Allele origin: germline.
Comment: This sequence change replaces alanine, which is neutral and non-polar, with serine, which is neutral and polar, at codon 489 of the PPP3CA protein (p.Ala489Ser). This variant is not present in population databases (gnomAD no frequency). This variant has not been reported in the literature in individuals affected with PPP3CA-related conditions. Invitae Evidence Modeling of protein sequence and biophysical properties (such as structural, functional, and spatial information, amino acid conservation, physicochemical variation, residue mobility, and thermodynamic stability) indicates that this missense variant is not expected to disrupt PPP3CA protein function with a negative predictive value of 80%. In summary, the available evidence is currently insufficient to determine the role of this variant in disease. Therefore, it has been classified as a Variant of Uncertain Significance.

NM_000944.5(PPP3CA):c.1465G>T (p.Ala489Ser)

Gene: PPP3CA (protein phosphatase 3 catalytic subunit alpha; minus strand). Cytogenetic location: 4q24.
Variant type: single nucleotide variant.
Coding change: c.1465G>T on transcript NM_000944.5 (MANE Select); coding-DNA position 1465, G replaced by T.
Protein change: p.Ala489Ser; replaces alanine 489 with serine.
Molecular consequence: missense variant.
Genome position (GRCh38, 1-based): chr4:101,025,966, C>A on the plus strand (G>T on the coding strand, the complement: PPP3CA is on the minus strand). VCF-style: chr4-101025966-C-A. GRCh37 (hg19) VCF-style: chr4-101947123-C-A.
Other names: c.1435G>T, p.Ala479Ser (NM_001130691.2); c.1309G>T, p.Ala437Ser (NM_001130692.2); short protein forms A489S, A479S, A437S.
Identifiers: ClinVar variation 4745888 (VCV004745888.1).
Genomic context (GRCh38, chr4:101,025,966, plus strand): 5'-CGTTAGTCTCTGAGGTGAGAGCCTTGTTGATGGAGTTAAGGTTGGCGTCAGAGGGCATGG[C>A]ATCTCTGCGAGGCGGCATCCTCTCATTAATTCGGTCTAAGCCCTTGGCTTCCTCGAAGCT-3'
Protein context (NP_000935.1, residues 479-499): INERMPPRRD[Ala489Ser]MPSDANLNSI